The following is an entry in ClinVar:

NM_153240.5(NPHP3):c.1041T>C (p.Asn347=)

Genes: NPHP3 (nephrocystin 3; minus strand), NPHP3-ACAD11 (NPHP3-ACAD11 readthrough (NMD candidate); minus strand). Cytogenetic location: 3q22.1.
Variant type: single nucleotide variant.
Coding change: c.1041T>C on transcript NM_153240.5 (MANE Select); coding-DNA position 1041, T replaced by C.
Protein change: p.Asn347=; no amino-acid change (asparagine 347 retained).
Molecular consequence: synonymous variant. On other transcripts: non-coding transcript variant (1).
Genome position (GRCh38, 1-based): chr3:132,713,203, A>G on the plus strand (T>C on the coding strand, the complement: NPHP3 is on the minus strand). VCF-style: chr3-132713203-A-G. GRCh37 (hg19) VCF-style: chr3-132432047-A-G.
Identifiers: ClinVar variation 3344577 (VCV003344577.1).

ClinVar aggregate classification (germline): Likely benign (0 of 4 stars; one submission).

Conditions:
NPHP3-related disorder. Also called: NPHP3-related disorders; NPHP3-related condition. Identifiers: MedGen CN379163.

Submission:

PreventionGenetics, part of Exact Sciences
Classification: Likely benign for NPHP3-related condition. Last evaluated: 2024-06-12. Review status: no assertion criteria provided. Collection method: clinical testing. Allele origin: germline.
Comment: This variant is classified as likely benign based on ACMG/AMP sequence variant interpretation guidelines (Richards et al. 2015 PMID: 25741868, with internal and published modifications).